The following is an entry in ClinVar:

ClinVar aggregate classification (germline): Uncertain significance. Review status: criteria provided, multiple submitters, no conflicts (2 of 4 stars). 5 submissions from 4 submitters: Uncertain significance (5). Last evaluated 2025-09-26.

Conditions:
Retinitis pigmentosa (RP). Identifiers: Orphanet 791, MedGen C0035334, MeSH D012174, MONDO:0019200, OMIM 268000. Inheritance: Autosomal dominant, autosomal recessive and X linked inheritance.
RHO-related disorder. Also called: RHO-related condition.
Congenital stationary night blindness autosomal dominant 1. Also called: NIGHT BLINDNESS, CONGENITAL STATIONARY, RHODOPSIN-RELATED. Identifiers: Orphanet 215, MedGen C1864869, MONDO:0012498, OMIM 610445.

Allele frequency attached by ClinVar (database versions not stated): gnomAD exomes below 0.00001; TOPMed 0.00001.
gnomAD v4.1: 11 of 1,614,072 alleles (0.00068%); highest among the groups gnomAD compares: East Asian, 0.0089%; no homozygotes.

Submissions (5):

PreventionGenetics, part of Exact Sciences
Classification: Uncertain significance for RHO-related condition. Last evaluated: 2025-09-26. Review status: criteria provided, single submitter. Criteria: ACMG Guidelines, 2015. Collection method: clinical testing. Allele origin: germline.
Comment: The RHO c.586C>A variant is predicted to result in the amino acid substitution p.Pro196Thr. To our knowledge, this variant has not been reported in the literature or in a large population database (gnomAD), indicating this variant is rare. At this time, the clinical significance of this variant is uncertain due to the absence of conclusive functional and genetic evidence.

Labcorp Genetics (formerly Invitae), Labcorp
Classification: Uncertain significance. Last evaluated: 2024-10-08. Review status: criteria provided, single submitter. Criteria: Invitae Variant Classification Sherloc (09022015). Collection method: clinical testing. Allele origin: germline.
Comment: This sequence change replaces proline, which is neutral and non-polar, with threonine, which is neutral and polar, at codon 196 of the RHO protein (p.Pro196Thr). This variant is not present in population databases (gnomAD no frequency). This variant has not been reported in the literature in individuals affected with RHO-related conditions. ClinVar contains an entry for this variant (Variation ID: 343278). Invitae Evidence Modeling of protein sequence and biophysical properties (such as structural, functional, and spatial information, amino acid conservation, physicochemical variation, residue mobility, and thermodynamic stability) has been performed for this missense variant. However, the output from this modeling did not meet the statistical confidence thresholds required to predict the impact of this variant on RHO protein function. In summary, the available evidence is currently insufficient to determine the role of this variant in disease. Therefore, it has been classified as a Variant of Uncertain Significance.

Blueprint Genetics
Classification: Uncertain significance. Last evaluated: 2024-09-13. Review status: criteria provided, single submitter. Criteria: ACMG Guidelines, 2015. Collection method: clinical testing. Allele origin: germline.

Illumina Laboratory Services, Illumina
Classification: Uncertain significance for Congenital stationary night blindness autosomal dominant 1. Last evaluated: 2018-01-13. Review status: criteria provided, single submitter. Criteria: ICSL Variant Classification Criteria 13 December 2019. Collection method: clinical testing. Allele origin: germline.

Illumina Laboratory Services, Illumina
Classification: Uncertain significance for Retinitis pigmentosa. Last evaluated: 2018-01-13. Review status: criteria provided, single submitter. Criteria: ICSL Variant Classification Criteria 13 December 2019. Collection method: clinical testing. Allele origin: germline.

NM_000539.3(RHO):c.586C>A (p.Pro196Thr)

Gene: RHO (rhodopsin; plus strand). Cytogenetic location: 3q22.1.
Variant type: single nucleotide variant.
Coding change: c.586C>A on transcript NM_000539.3 (MANE Select); coding-DNA position 586, C replaced by A.
Protein change: p.Pro196Thr; replaces proline 196 with threonine.
Molecular consequence: missense variant.
Genome position (GRCh38, 1-based): chr3:129,532,306, C>A. VCF-style: chr3-129532306-C-A. GRCh37 (hg19) VCF-style: chr3-129251149-C-A.
Other names: short protein forms P196T.
Identifiers: ClinVar variation 343278 (VCV000343278.15), dbSNP rs765931092, ClinGen allele CA10615276.